The following is an entry in ClinVar:

ClinVar aggregate classification (germline): Uncertain significance (1 of 4 stars; one submission).

Submission:

GeneDx
Classification: Uncertain significance. Last evaluated: 2023-05-10. Review status: criteria provided, single submitter. Criteria: GeneDx Variant Classification Process June 2021. Collection method: clinical testing. Allele origin: germline. Affected: yes.
Comment: Not observed at significant frequency in large population cohorts (gnomAD); In silico analysis supports that this missense variant does not alter protein structure/function; In silico analysis suggests this variant may impact gene splicing. In the absence of RNA/functional studies, the actual effect of this sequence change is unknown.; Has not been previously published as pathogenic or benign to our knowledge

NM_014727.3(KMT2B):c.499G>A (p.Ala167Thr)

Gene: KMT2B (lysine methyltransferase 2B; plus strand). Cytogenetic location: 19q13.12.
Variant type: single nucleotide variant.
Coding change: c.499G>A on transcript NM_014727.3 (MANE Select); coding-DNA position 499, G replaced by A.
Protein change: p.Ala167Thr; replaces alanine 167 with threonine.
Molecular consequence: missense variant.
Genome position (GRCh38, 1-based): chr19:35,719,846, G>A. VCF-style: chr19-35719846-G-A. GRCh37 (hg19) VCF-style: chr19-36210748-G-A.
Other names: short protein forms A167T.
Identifiers: ClinVar variation 2663328 (VCV002663328.1), dbSNP rs2513311208, ClinGen allele CA405378668.